The following is an entry in ClinVar:

NM_138694.4(PKHD1):c.716T>C (p.Val239Ala)

Gene: PKHD1 (PKHD1 ciliary IPT domain containing fibrocystin/polyductin; minus strand). Cytogenetic location: 6p12.2.
Variant type: single nucleotide variant.
Coding change: c.716T>C on transcript NM_138694.4 (MANE Select); coding-DNA position 716, T replaced by C.
Protein change: p.Val239Ala; replaces valine 239 with alanine.
Molecular consequence: missense variant.
Genome position (GRCh38, 1-based): chr6:52,069,519, A>G on the plus strand (T>C on the coding strand, the complement: PKHD1 is on the minus strand). VCF-style: chr6-52069519-A-G. GRCh37 (hg19) VCF-style: chr6-51934317-A-G.
Other names: c.716T>C, p.Val239Ala (NM_170724.3); short protein forms V239A.
Identifiers: ClinVar variation 3061039 (VCV003061039.2), dbSNP rs752061804, ClinGen allele CA3853793.
Genomic context (GRCh38, chr6:52,069,519, plus strand): 5'-GAGTGTGTCTGGTATAGGAAAAGATCCTGTTTAGCACTGATCAGCCATGCCTTCTTGTGG[A>G]CCATTGACCTTCGAAAAAGACAAAGTTCTGTTTTGAATGAAAATATCAACTGGGATTGCA-3'
Protein context (NP_619639.3, residues 229-249): FSVFNKGKSM[Val239Ala]HKKAWLISAK

ClinVar aggregate classification (germline): Uncertain significance (0 of 4 stars; one submission).

Conditions:
PKHD1-related disorder. Also called: PKHD1-related condition.

Allele frequency attached by ClinVar (database versions not stated): gnomAD exomes below 0.00001; ExAC 0.00001; gnomAD 0.00001; TOPMed 0.00001.

Submission:

PreventionGenetics, part of Exact Sciences
Classification: Uncertain significance for PKHD1-related condition. Last evaluated: 2024-01-26. Review status: no assertion criteria provided. Collection method: clinical testing. Allele origin: germline.
Comment: The PKHD1 c.716T>C variant is predicted to result in the amino acid substitution p.Val239Ala. To our knowledge, this variant has not been reported in the literature. This variant is reported in 0.025% of alleles in individuals of East Asian descent in gnomAD. At this time, the clinical significance of this variant is uncertain due to the absence of conclusive functional and genetic evidence.